The following is an entry in ClinVar:

NM_001166108.2(PALLD):c.3244G>A (p.Gly1082Ser)

Genes: CBR4 (carbonyl reductase 4; minus strand), PALLD (palladin, cytoskeletal associated protein; plus strand). Cytogenetic location: 4q32.3.
Variant type: single nucleotide variant.
Coding change: c.3244G>A on transcript NM_001166108.2 (MANE Select); coding-DNA position 3244, G replaced by A.
Protein change: p.Gly1082Ser; replaces glycine 1082 with serine.
Molecular consequence: missense variant.
Genome position (GRCh38, 1-based): chr4:168,924,964, G>A. VCF-style: chr4-168924964-G-A. GRCh37 (hg19) VCF-style: chr4-169846115-G-A.
Other names: c.2047G>A, p.Gly683Ser (NM_001166109.2); c.1732G>A, p.Gly578Ser (NM_001166110.2); c.1072G>A, p.Gly358Ser (NM_001367567.1, NM_001367569.1); c.1123G>A, p.Gly375Ser (NM_001367568.1, NM_001367570.1); c.3193G>A, p.Gly1065Ser (NM_016081.4); short protein forms G358S, G683S, G1082S, G375S, G578S, G1065S.
Identifiers: ClinVar variation 1409725 (VCV001409725.8), dbSNP rs745362518, ClinGen allele CA3136076.
Genomic context (GRCh38, chr4:168,924,964, plus strand): 5'-TAAAAAATTTAGAACCCTAATGACTTTATCCTTTTCTCCAGCATGCACCAGGACAACCAC[G>A]GCTACATCTGCCTGCTCATTCAGGGAGCCACAAAAGAAGATGCTGGGTGGTATACTGTGT-3'
Protein context (NP_001159580.1, residues 1072-1092): DRVSMHQDNH[Gly1082Ser]YICLLIQGAT

ClinVar aggregate classification (germline): Uncertain significance (1 of 4 stars; one submission).

Conditions:
Pancreatic adenocarcinoma. Identifiers: MedGen C0281361, MONDO:0006047, HP:0006725.

Allele frequency attached by ClinVar (database versions not stated): gnomAD exomes 0.00001 and 0.00002; TOPMed 0.00002; ExAC 0.00003; gnomAD 0.00003.
gnomAD v4.1: 17 of 1,613,890 alleles (0.0011%); highest among the groups gnomAD compares: African/African-American, 0.0067%; no homozygotes.

Submission:

Labcorp Genetics (formerly Invitae), Labcorp
Classification: Uncertain significance for Pancreatic adenocarcinoma. Last evaluated: 2025-08-22. Review status: criteria provided, single submitter. Criteria: Invitae Variant Classification Sherloc (09022015). Collection method: clinical testing. Allele origin: germline.
Comment: This sequence change replaces glycine, which is neutral and non-polar, with serine, which is neutral and polar, at codon 578 of the PALLD protein (p.Gly578Ser). This variant is present in population databases (rs745362518, gnomAD 0.01%). This variant has not been reported in the literature in individuals affected with PALLD-related conditions. ClinVar contains an entry for this variant (Variation ID: 1409725). An algorithm developed to predict the effect of missense changes on protein structure and function (PolyPhen-2) suggests that this variant is likely to be disruptive. In summary, the available evidence is currently insufficient to determine the role of this variant in disease. Therefore, it has been classified as a Variant of Uncertain Significance.